The following is an entry in ClinVar:

ClinVar aggregate classification (germline): Likely benign. Review status: criteria provided, multiple submitters, no conflicts (2 of 4 stars). 3 submissions from 3 submitters: Likely benign (3). Last evaluated 2023-12-26.

Conditions:
RYR1-related disorder. Also called: RYR1-related condition; RYR1-related disorders. Identifiers: MedGen CN239331.
Malignant hyperthermia, susceptibility to, 1 (MHS1). Also called: Anesthesia related hyperthermia; Malignant hyperpyrexia; Fulminating hyperpyrexia; Pharmacogenic myopathy; RYR1-Related Malignant Hyperthermia Susceptibility; Malignant hyperthermia suceptibility 1. Identifiers: Orphanet 423, MedGen C2930980, MONDO:0007783, OMIM 145600.

Allele frequency attached by ClinVar (database versions not stated): gnomAD exomes below 0.00001.
gnomAD v4.1: 2 of 1,611,166 alleles (0.00012%); highest among the groups gnomAD compares: Non-Finnish European, 0.000085%; no homozygotes.

Submissions (3):

Labcorp Genetics (formerly Invitae), Labcorp
Classification: Likely benign for RYR1-related disorder. Last evaluated: 2023-12-26. Review status: criteria provided, single submitter. Criteria: Invitae Variant Classification Sherloc (09022015). Collection method: clinical testing. Allele origin: germline.

All of Us Research Program, National Institutes of Health
Classification: Likely benign for Malignant hyperthermia, susceptibility to, 1. Last evaluated: 2023-06-28. Review status: criteria provided, single submitter. Criteria: ACMG Guidelines, 2015. Collection method: clinical testing. Allele origin: germline. Inheritance: Autosomal dominant inheritance. Observed: 2 variant alleles, 2 heterozygotes.
Comment: This study involves interpretation of variants in research participants for the purpose of population health screening. Participant phenotype was not available at the time of variant classification. Additional details can be found in publication PMID: 35346344, PMCID: PMC8962531

Color Diagnostics, LLC DBA Color Health
Classification: Likely benign for Malignant hyperthermia, susceptibility to, 1. Last evaluated: 2023-05-24. Review status: criteria provided, single submitter. Criteria: ACMG Guidelines, 2015. Collection method: clinical testing. Allele origin: germline.

NM_000540.3(RYR1):c.6114G>C (p.Leu2038=)

Gene: RYR1 (ryanodine receptor 1; plus strand). Cytogenetic location: 19q13.2.
Variant type: single nucleotide variant.
Coding change: c.6114G>C on transcript NM_000540.3 (MANE Select); coding-DNA position 6114, G replaced by C.
Protein change: p.Leu2038=; no amino-acid change (leucine 2038 retained).
Molecular consequence: synonymous variant.
Genome position (GRCh38, 1-based): chr19:38,490,719, G>C. VCF-style: chr19-38490719-G-C. GRCh37 (hg19) VCF-style: chr19-38981359-G-C.
Other names: c.6114G>C, p.Leu2038= (NM_001042723.2).
Identifiers: ClinVar variation 1115890 (VCV001115890.10), dbSNP rs373751867, ClinGen allele CA507240332.